The following is an entry in ClinVar:

NM_001103.4(ACTN2):c.1181G>A (p.Arg394Gln)

Gene: ACTN2 (actinin alpha 2; plus strand). Cytogenetic location: 1q43.
Variant type: single nucleotide variant.
Coding change: c.1181G>A on transcript NM_001103.4 (MANE Select); coding-DNA position 1181, G replaced by A.
Protein change: p.Arg394Gln; replaces arginine 394 with glutamine.
Molecular consequence: missense variant.
Genome position (GRCh38, 1-based): chr1:236,742,969, G>A. VCF-style: chr1-236742969-G-A. GRCh37 (hg19) VCF-style: chr1-236906269-G-A.
Other names: c.1181G>A, p.Arg394Gln (NM_001278343.2); c.557G>A, p.Arg186Gln (NM_001278344.2); short protein forms R394Q, R186Q.
Identifiers: ClinVar variation 463188 (VCV000463188.11), dbSNP rs758358941, ClinGen allele CA1473073.

ClinVar aggregate classification (germline): Uncertain significance. Review status: criteria provided, multiple submitters, no conflicts (2 of 4 stars). 3 submissions from 3 submitters: Uncertain significance (3). Last evaluated 2025-07-14.

Conditions:
Cardiomyopathy (CMYO). Also called: Cardiomyopathies. Identifiers: Orphanet 167848, MedGen C0878544, MONDO:0004994, HP:0001638. Inheritance: Various modes of inheritance.
Dilated cardiomyopathy 1AA (CMD1AA). Also called: Cardiomyopathy, dilated, 1AA, with or without LVNC; CARDIOMYOPATHY, DILATED, 1AA, WITH OR WITHOUT LEFT VENTRICULAR NONCOMPACTION; CARDIOMYOPATHY, FAMILIAL HYPERTROPHIC, 23, WITH OR WITHOUT LEFT VENTRICULAR NONCOMPACTION. Identifiers: Orphanet 154, MedGen C2677338, MONDO:0012808, OMIM 612158.
Primary familial hypertrophic cardiomyopathy (HCM). Identifiers: Orphanet 99739, MedGen C0949658, MeSH D024741, MONDO:0024573. Inheritance: Various modes of inheritance.
Cardiovascular phenotype. Identifiers: MedGen CN230736.

Allele frequency attached by ClinVar (database versions not stated): TOPMed below 0.00001; ExAC 0.00001; gnomAD exomes 0.00001.

Submissions (3):

Labcorp Genetics (formerly Invitae), Labcorp
Classification: Uncertain significance for Primary familial hypertrophic cardiomyopathy; Dilated cardiomyopathy 1AA. Last evaluated: 2025-07-14. Review status: criteria provided, single submitter. Criteria: Invitae Variant Classification Sherloc (09022015). Collection method: clinical testing. Allele origin: germline.
Comment: This sequence change replaces arginine, which is basic and polar, with glutamine, which is neutral and polar, at codon 394 of the ACTN2 protein (p.Arg394Gln). This variant is present in population databases (rs758358941, gnomAD 0.006%). This variant has not been reported in the literature in individuals affected with ACTN2-related conditions. ClinVar contains an entry for this variant (Variation ID: 463188). Invitae Evidence Modeling of protein sequence and biophysical properties (such as structural, functional, and spatial information, amino acid conservation, physicochemical variation, residue mobility, and thermodynamic stability) indicates that this missense variant is not expected to disrupt ACTN2 protein function with a negative predictive value of 80%. In summary, the available evidence is currently insufficient to determine the role of this variant in disease. Therefore, it has been classified as a Variant of Uncertain Significance.

Ambry Genetics
Classification: Uncertain significance for Cardiovascular phenotype. Last evaluated: 2024-08-05. Review status: criteria provided, single submitter. Criteria: Ambry Variant Classification Scheme 2023. Collection method: clinical testing. Allele origin: germline.

CHEO Genetics Diagnostic Laboratory, Children's Hospital of Eastern Ontario
Classification: Uncertain significance for Cardiomyopathy. Last evaluated: 2016-07-27. Review status: criteria provided, single submitter. Criteria: ACMG Guidelines, 2015. Collection method: clinical testing. Allele origin: germline. Study: Canadian Open Genetics Repository.